The following is an entry in ClinVar:

NM_030962.4(SBF2):c.3652+9CT[2]

Gene: SBF2 (SET binding factor 2; minus strand). Cytogenetic location: 11p15.4.
Variant type: Microsatellite.
Coding change: c.3652+9CT[2] on transcript NM_030962.4 (MANE Select); two copies in a row of the 2-base unit CT starting at c.3652+9; the reference has three copies in a row; one copy, 2 bases deleted.
Molecular consequence: intron variant.
Genome position (GRCh38, 1-based): chr11:9,832,210-9,832,211, AG deleted on the plus strand (CT on the coding strand, the reverse complement: SBF2 is on the minus strand); deleting any 2 consecutive bases within chr11:9,832,210-9,832,216 gives the same sequence; the position shown is the placement nearest the transcript's 3' end. VCF-style (leftmost placement, unchanged base first): chr11-9832209-TAG-T. GRCh37 (hg19) VCF-style: chr11-9853756-TAG-T.
Other names: c.3523+9CT[2] (NM_001386342.1); c.3652+9CT[2] (NM_001386339.1).
Identifiers: ClinVar variation 669462 (VCV000669462.9), dbSNP rs376260584, ClinGen allele CA5881211.

ClinVar aggregate classification (germline): Benign/Likely benign. Review status: criteria provided, multiple submitters, no conflicts (2 of 4 stars). 2 submissions from 2 submitters: Benign (1); Likely benign (1). Last evaluated 2025-12-21.

Conditions:
Charcot-Marie-Tooth disease type 4. Also called: Charcot-Marie-Tooth, Type 4; Charcot-Marie-Tooth disease, type IV. Identifiers: Orphanet 64749, MedGen C4082197, MONDO:0018995.

Submissions (2):

Labcorp Genetics (formerly Invitae), Labcorp
Classification: Benign for Charcot-Marie-Tooth disease type 4. Last evaluated: 2025-12-21. Review status: criteria provided, single submitter. Criteria: Invitae Variant Classification Sherloc (09022015). Collection method: clinical testing. Allele origin: germline.

GeneDx
Classification: Likely benign. Last evaluated: 2018-05-11. Review status: criteria provided, single submitter. Criteria: GeneDx Variant Classification (06012015). Collection method: clinical testing. Allele origin: germline. Affected: yes.
Comment: This variant is considered likely benign or benign based on one or more of the following criteria: it is a conservative change, it occurs at a poorly conserved position in the protein, it is predicted to be benign by multiple in silico algorithms, and/or has population frequency not consistent with disease.